The following is an entry in ClinVar:

NM_015425.6(POLR1A):c.3357+5T>G

Gene: POLR1A (RNA polymerase I subunit A; minus strand). Cytogenetic location: 2p11.2.
Variant type: single nucleotide variant.
Coding change: c.3357+5T>G on transcript NM_015425.6 (MANE Select); 5 bases into the intron after coding-DNA position 3357, T replaced by G.
Molecular consequence: intron variant.
Genome position (GRCh38, 1-based): chr2:86,042,969, A>C on the plus strand (T>G on the coding strand, the complement: POLR1A is on the minus strand). VCF-style: chr2-86042969-A-C. GRCh37 (hg19) VCF-style: chr2-86270092-A-C.
Identifiers: ClinVar variation 1474910 (VCV001474910.6), dbSNP rs1430244676, ClinGen allele CA534223127.
Genomic context (GRCh38, chr2:86,042,969, plus strand): 5'-CATCCCTCACCCACTGACTAAGCCTGGACGTGCTGGACATTAAGGACACCACCTCCCTGC[A>C]TCACCTCCTGAGTCCCAGGGCTGCGGCCATTGCGGTTTTCACTCTCAAGTTTCAGGGCTT-3'

ClinVar aggregate classification (germline): Uncertain significance (1 of 4 stars; one submission).

Allele frequency attached by ClinVar (database versions not stated): gnomAD exomes below 0.00001 and 0.00001; TOPMed below 0.00001; gnomAD 0.00001.
gnomAD v4.1: 14 of 1,607,864 alleles (0.00087%); highest among the groups gnomAD compares: Non-Finnish European, 0.0011%; no homozygotes.

Submission:

Labcorp Genetics (formerly Invitae), Labcorp
Classification: Uncertain significance. Last evaluated: 2024-03-11. Review status: criteria provided, single submitter. Criteria: Invitae Variant Classification Sherloc (09022015). Collection method: clinical testing. Allele origin: germline.
Comment: This sequence change falls in intron 23 of the POLR1A gene. It does not directly change the encoded amino acid sequence of the POLR1A protein. It affects a nucleotide within the consensus splice site. This variant is present in population databases (no rsID available, gnomAD 0.0009%). This variant has not been reported in the literature in individuals affected with POLR1A-related conditions. ClinVar contains an entry for this variant (Variation ID: 1474910). Variants that disrupt the consensus splice site are a relatively common cause of aberrant splicing (PMID: 17576681, 9536098). Algorithms developed to predict the effect of sequence changes on RNA splicing suggest that this variant is not likely to affect RNA splicing. In summary, the available evidence is currently insufficient to determine the role of this variant in disease. Therefore, it has been classified as a Variant of Uncertain Significance.

Literature cited by the submitters: PubMed 17576681; PubMed 9536098.